The following is an entry in ClinVar:

ClinVar aggregate classification (germline): Uncertain significance (1 of 4 stars; one submission).

Allele frequency attached by ClinVar (database versions not stated): gnomAD exomes below 0.00001.
gnomAD v4.1: 1 of 1,610,570 alleles (0.000062%); highest among the groups gnomAD compares: Admixed American, 0.0017%; no homozygotes.

Submission:

Labcorp Genetics (formerly Invitae), Labcorp
Classification: Uncertain significance. Last evaluated: 2024-02-24. Review status: criteria provided, single submitter. Criteria: Invitae Variant Classification Sherloc (09022015). Collection method: clinical testing. Allele origin: germline.
Comment: This sequence change replaces asparagine, which is neutral and polar, with serine, which is neutral and polar, at codon 579 of the SLC26A4 protein (p.Asn579Ser). This variant is not present in population databases (gnomAD no frequency). This variant has not been reported in the literature in individuals affected with SLC26A4-related conditions. ClinVar contains an entry for this variant (Variation ID: 2185667). Advanced modeling of protein sequence and biophysical properties (such as structural, functional, and spatial information, amino acid conservation, physicochemical variation, residue mobility, and thermodynamic stability) has been performed at Invitae for this missense variant, however the output from this modeling did not meet the statistical confidence thresholds required to predict the impact of this variant on SLC26A4 protein function. In summary, the available evidence is currently insufficient to determine the role of this variant in disease. Therefore, it has been classified as a Variant of Uncertain Significance.

NM_000441.2(SLC26A4):c.1736A>G (p.Asn579Ser)

Gene: SLC26A4 (solute carrier family 26 member 4; plus strand). Cytogenetic location: 7q22.3.
Variant type: single nucleotide variant.
Coding change: c.1736A>G on transcript NM_000441.2 (MANE Select); coding-DNA position 1736, A replaced by G.
Protein change: p.Asn579Ser; replaces asparagine 579 with serine.
Molecular consequence: missense variant.
Genome position (GRCh38, 1-based): chr7:107,701,129, A>G. VCF-style: chr7-107701129-A-G. GRCh37 (hg19) VCF-style: chr7-107341574-A-G.
Other names: short protein forms N579S.
Identifiers: ClinVar variation 2185667 (VCV002185667.3), dbSNP rs2535336869, ClinGen allele CA368842874.
Genomic context (GRCh38, chr7:107,701,129, plus strand): 5'-CATTTTAAGTAACTTGACATTTATTTCCAAAGGTTGGATTTGATGCCATTAGAGTATATA[A>G]TAAGAGGCTGAAAGCGCTGAGGAAAATACAGAAACTAATAAAAAGTGGACAATTAAGAGC-3'
Protein context (NP_000432.1, residues 569-589): TVGFDAIRVY[Asn579Ser]KRLKALRKIQ